The following is an entry in ClinVar:

ClinVar aggregate classification (germline): Uncertain significance (1 of 4 stars; one submission).

Submission:

GeneDx
Classification: Uncertain significance. Last evaluated: 2025-03-15. Review status: criteria provided, single submitter. Criteria: GeneDx Variant Classification Process June 2021. Collection method: clinical testing. Allele origin: germline. Affected: yes.
Comment: Not observed at significant frequency in large population cohorts (gnomAD); In silico analysis supports that this missense variant has a deleterious effect on protein structure/function; Has not been previously published as pathogenic or benign to our knowledge

NM_001170629.2(CHD8):c.3287A>C (p.Asn1096Thr)

Gene: CHD8 (chromodomain helicase DNA binding protein 8; minus strand). Cytogenetic location: 14q11.2.
Variant type: single nucleotide variant.
Coding change: c.3287A>C on transcript NM_001170629.2 (MANE Select); coding-DNA position 3287, A replaced by C.
Protein change: p.Asn1096Thr; replaces asparagine 1096 with threonine.
Molecular consequence: missense variant.
Genome position (GRCh38, 1-based): chr14:21,405,229, T>G on the plus strand (A>C on the coding strand, the complement: CHD8 is on the minus strand). VCF-style: chr14-21405229-T-G. GRCh37 (hg19) VCF-style: chr14-21873388-T-G.
Other names: c.2450A>C, p.Asn817Thr (NM_020920.4); short protein forms N817T, N1096T.
Identifiers: ClinVar variation 4088209 (VCV004088209.1).